The following is an entry in ClinVar:

ClinVar aggregate classification (germline): Pathogenic (1 of 4 stars; one submission).

Conditions:
Hereditary breast ovarian cancer syndrome. Also called: Hereditary breast and ovarian cancer; Hereditary breast and ovarian cancer syndrome; BRCA1- and BRCA2-Associated Hereditary Breast and Ovarian Cancer; Hereditary breast and ovarian cancer syndrome (HBOC); Breast and ovarian cancer; Hereditary breast and/or ovarian cancer syndrome. Identifiers: Orphanet 145, MedGen C0677776, MeSH D061325, MONDO:0003582. Disease mechanism: loss of function.

Submission:

Labcorp Genetics (formerly Invitae), Labcorp
Classification: Pathogenic for Hereditary breast ovarian cancer syndrome. Last evaluated: 2023-12-06. Review status: criteria provided, single submitter. Criteria: Invitae Variant Classification Sherloc (09022015). Collection method: clinical testing. Allele origin: germline.
Comment: This variant results in a copy number gain of the genomic region encompassing exon(s) 16 of the BRCA1 gene. While the exact position of this variant cannot be determined from the data, sub-genic copy number gains are generally in tandem (PMID: 25640679). This variant is predicted to be out-of-frame, and may result in an absent or disrupted protein product. Loss-of-function variants in BRCA1 are known to be pathogenic (PMID: 20104584). A similar copy number variant has been observed in individual(s) with breast cancer and a personal and/or family history of breast and/or ovarian cancer (PMID: 29582426; Invitae). It has also been observed to segregate with disease in related individuals. For these reasons, this variant has been classified as Pathogenic.

Literature cited by the submitters: PubMed 25640679; PubMed 20104584; PubMed 29582426.

NC_000017.10:g.(?_41219605)_(41219732_?)dup

Gene: BRCA1 (BRCA1 DNA repair associated; minus strand). Cytogenetic location: 17q21.31.
Variant type: Duplication.
Identifiers: ClinVar variation 645354 (VCV000645354.4).